The following is an entry in ClinVar:

ClinVar aggregate classification (germline): Uncertain significance (1 of 4 stars; one submission).

Conditions:
Cardiovascular phenotype. Identifiers: MedGen CN230736.

gnomAD v4.1: 4 of 1,578,384 alleles (0.00025%); highest among the groups gnomAD compares: Non-Finnish European, 0.00034%; no homozygotes.

Submission:

Ambry Genetics
Classification: Uncertain significance for Cardiovascular phenotype. Last evaluated: 2025-05-06. Review status: criteria provided, single submitter. Criteria: Ambry Variant Classification Scheme 2023. Collection method: clinical testing. Allele origin: germline.
Comment: The p.A561E variant (also known as c.1682C>A), located in coding exon 4 of the JPH2 gene, results from a C to A substitution at nucleotide position 1682. The alanine at codon 561 is replaced by glutamic acid, an amino acid with dissimilar properties. This amino acid position is conserved. In addition, this alteration is predicted to be tolerated by in silico analysis. Based on the available evidence, the clinical significance of this variant remains unclear.

NM_020433.5(JPH2):c.1682C>A (p.Ala561Glu)

Gene: JPH2 (junctophilin 2; minus strand). Cytogenetic location: 20q13.12.
Variant type: single nucleotide variant.
Coding change: c.1682C>A on transcript NM_020433.5 (MANE Select); coding-DNA position 1682, C replaced by A.
Protein change: p.Ala561Glu; replaces alanine 561 with glutamic acid.
Molecular consequence: missense variant.
Genome position (GRCh38, 1-based): chr20:44,115,993, G>T on the plus strand (C>A on the coding strand, the complement: JPH2 is on the minus strand). VCF-style: chr20-44115993-G-T. GRCh37 (hg19) VCF-style: chr20-42744633-G-T.
Other names: short protein forms A561E.
Identifiers: ClinVar variation 4040906 (VCV004040906.1).